The following is an entry in ClinVar:

NM_032578.4(MYPN):c.865G>T (p.Asp289Tyr)

Gene: MYPN (myopalladin; plus strand). Cytogenetic location: 10q21.3.
Variant type: single nucleotide variant.
Coding change: c.865G>T on transcript NM_032578.4 (MANE Select); coding-DNA position 865, G replaced by T.
Protein change: p.Asp289Tyr; replaces aspartic acid 289 with tyrosine.
Molecular consequence: missense variant. On other transcripts: 5 prime UTR variant (1), non-coding transcript variant (1).
Genome position (GRCh38, 1-based): chr10:68,122,303, G>T. VCF-style: chr10-68122303-G-T. GRCh37 (hg19) VCF-style: chr10-69882060-G-T.
Other names: c.865G>T, p.Asp289Tyr (NM_001256267.2); c.-258G>T (NM_001256268.2); c.865G>T (NM_032578.2); short protein forms D289Y.
Identifiers: ClinVar variation 1428628 (VCV001428628.5), dbSNP rs201460662, ClinGen allele CA5522349.

ClinVar aggregate classification (germline): Uncertain significance. Review status: criteria provided, multiple submitters, no conflicts (2 of 4 stars). 3 submissions from 3 submitters: Uncertain significance (3). Last evaluated 2024-06-11.

Conditions:
MYPN-related myopathy (CMYO24). Also called: Nemaline myopathy 11, autosomal recessive. Identifiers: MedGen C4479186, MONDO:0015023, OMIM 617336.
Dilated cardiomyopathy 1KK (CMD1KK). Identifiers: Orphanet 154, Orphanet 75249, MedGen C3714995, MONDO:0014100, OMIM 615248.
Cardiovascular phenotype. Identifiers: MedGen CN230736.

Allele frequency attached by ClinVar (database versions not stated): gnomAD exomes below 0.00001; TOPMed below 0.00001; ExAC 0.00001; gnomAD 0.00001.
gnomAD v4.1: 3 of 1,613,860 alleles (0.00019%); highest among the groups gnomAD compares: Non-Finnish European, 0.00017%; no homozygotes.

Submissions (3):

Fulgent Genetics
Classification: Uncertain significance for Dilated cardiomyopathy 1KK; MYPN-related myopathy. Last evaluated: 2024-06-11. Review status: criteria provided, single submitter. Criteria: ACMG Guidelines, 2015. Collection method: clinical testing. Allele origin: germline.

Ambry Genetics
Classification: Uncertain significance for Cardiovascular phenotype. Last evaluated: 2024-06-09. Review status: criteria provided, single submitter. Criteria: Ambry Variant Classification Scheme 2023. Collection method: clinical testing. Allele origin: germline.
Comment: The p.D289Y variant (also known as c.865G>T), located in coding exon 1 of the MYPN gene, results from a G to T substitution at nucleotide position 865. The aspartic acid at codon 289 is replaced by tyrosine, an amino acid with highly dissimilar properties. This amino acid position is conserved. In addition, this alteration is predicted to be deleterious by in silico analysis. Based on the available evidence, the clinical significance of this variant remains unclear.

Labcorp Genetics (formerly Invitae), Labcorp
Classification: Uncertain significance for Dilated cardiomyopathy 1KK. Last evaluated: 2021-09-21. Review status: criteria provided, single submitter. Criteria: Invitae Variant Classification Sherloc (09022015). Collection method: clinical testing. Allele origin: germline.
Comment: This sequence change replaces aspartic acid with tyrosine at codon 289 of the MYPN protein (p.Asp289Tyr). The aspartic acid residue is highly conserved and there is a large physicochemical difference between aspartic acid and tyrosine. This variant is present in population databases (rs201460662, ExAC 0.002%). This variant has not been reported in the literature in individuals affected with MYPN-related conditions. Algorithms developed to predict the effect of missense changes on protein structure and function (SIFT, PolyPhen-2, Align-GVGD) all suggest that this variant is likely to be disruptive. In summary, the available evidence is currently insufficient to determine the role of this variant in disease. Therefore, it has been classified as a Variant of Uncertain Significance.